The following is an entry in ClinVar:

NM_000334.4(SCN4A):c.2083A>G (p.Asn695Asp)

Genes: GH-LCR (growth hormone locus control region; plus strand), SCN4A (sodium voltage-gated channel alpha subunit 4; minus strand). Cytogenetic location: 17q23.3.
Variant type: single nucleotide variant.
Coding change: c.2083A>G on transcript NM_000334.4 (MANE Select); coding-DNA position 2083, A replaced by G.
Protein change: p.Asn695Asp; replaces asparagine 695 with aspartic acid.
Molecular consequence: missense variant.
Genome position (GRCh38, 1-based): chr17:63,957,455, T>C on the plus strand (A>G on the coding strand, the complement: SCN4A is on the minus strand). VCF-style: chr17-63957455-T-C. GRCh37 (hg19) VCF-style: chr17-62034815-T-C.
Other names: short protein forms N695D.
Identifiers: ClinVar variation 586506 (VCV000586506.12), dbSNP rs1327920743, ClinGen allele CA400631209.

ClinVar aggregate classification (germline): Uncertain significance. Review status: criteria provided, multiple submitters, no conflicts (2 of 4 stars). 3 submissions from 3 submitters: Uncertain significance (3). Last evaluated 2025-06-29.

Conditions:
Hyperkalemic periodic paralysis. Also called: Familial hyperkalemic periodic paralysis; Gamstorp disease. Identifiers: Orphanet 682, MedGen C0238357, MONDO:0008224, OMIM 170500, HP:0007215.

Allele frequency attached by ClinVar (database versions not stated): gnomAD exomes below 0.00001 and 0.00001; gnomAD 0.00001; TOPMed 0.00001.
gnomAD v4.1: 14 of 1,613,850 alleles (0.00087%); highest among the groups gnomAD compares: Non-Finnish European, 0.0012%; no homozygotes.

Submissions (3):

Labcorp Genetics (formerly Invitae), Labcorp
Classification: Uncertain significance for Hyperkalemic periodic paralysis. Last evaluated: 2025-06-29. Review status: criteria provided, single submitter. Criteria: Invitae Variant Classification Sherloc (09022015). Collection method: clinical testing. Allele origin: germline.
Comment: This sequence change replaces asparagine, which is neutral and polar, with aspartic acid, which is acidic and polar, at codon 695 of the SCN4A protein (p.Asn695Asp). This variant is present in population databases (no rsID available, gnomAD 0.0009%). This variant has not been reported in the literature in individuals affected with SCN4A-related conditions. ClinVar contains an entry for this variant (Variation ID: 586506). Invitae Evidence Modeling of protein sequence and biophysical properties (such as structural, functional, and spatial information, amino acid conservation, physicochemical variation, residue mobility, and thermodynamic stability) has been performed for this missense variant. However, the output from this modeling did not meet the statistical confidence thresholds required to predict the impact of this variant on SCN4A protein function. In summary, the available evidence is currently insufficient to determine the role of this variant in disease. Therefore, it has been classified as a Variant of Uncertain Significance.

GeneDx
Classification: Uncertain significance. Last evaluated: 2019-01-16. Review status: criteria provided, single submitter. Criteria: GeneDx Variant Classification Process June 2021. Collection method: clinical testing. Allele origin: germline. Affected: yes.
Comment: Not observed at a significant frequency in large population cohorts (Lek et al., 2016); In silico analysis, which includes protein predictors and evolutionary conservation, supports a deleterious effect; Has not been previously published as pathogenic or benign to our knowledge; This variant is associated with the following publications: (PMID: 21841462)

Athena Diagnostics
Classification: Uncertain significance. Last evaluated: 2018-04-26. Review status: criteria provided, single submitter. Criteria: Athena Diagnostics Criteria. Collection method: clinical testing. Allele origin: germline.